The following is an entry in ClinVar:

ClinVar aggregate classification (germline): Likely benign (1 of 4 stars; one submission).

Allele frequency attached by ClinVar (database versions not stated): 1000 Genomes Project 30x 0.00078; 1000 Genomes Project 0.00080; TOPMed 0.00375; gnomAD 0.00405; ESP Exome Variant Server 0.00415.

Submissions (2):

CeGaT Center for Human Genetics Tuebingen
Classification: Likely benign. Last evaluated: 2022-11-01. Review status: criteria provided, single submitter. Criteria: CeGaT Center For Human Genetics Tuebingen Variant Classification Criteria Version 2. Collection method: clinical testing. Allele origin: germline. Affected: yes. Observed: 1 variant allele.
Comment: MAP3K13: BP4, BS2

Dr. Peter K. Rogan Lab, Western University
No classification provided (evidence only). Condition: Malignant tumor of urinary bladder. Review status: no classification provided. Collection method: in vitro. Allele origin: not applicable. Functional consequence: retained intron. Not counted in ClinVar's aggregate classification.

NM_004721.5(MAP3K13):c.130G>A (p.Glu44Lys)

Gene: MAP3K13 (mitogen-activated protein kinase kinase kinase 13; plus strand). Cytogenetic location: 3q27.2.
Variant type: single nucleotide variant.
Coding change: c.130G>A on transcript NM_004721.5 (MANE Select); coding-DNA position 130, G replaced by A.
Protein change: p.Glu44Lys; replaces glutamic acid 44 with lysine.
Molecular consequence: missense variant. On other transcripts: intron variant (1).
Genome position (GRCh38, 1-based): chr3:185,428,711, G>A. VCF-style: chr3-185428711-G-A. GRCh37 (hg19) VCF-style: chr3-185146499-G-A.
Other names: NC_000003.11:g.185146499G>A; c.130G>A, p.Glu44Lys (NM_001242314.2); c.39-14734G>A (NM_001242317.2); short protein forms E44K.
Identifiers: ClinVar variation 2654329 (VCV002654329.25), dbSNP rs35266179, ClinGen allele CA2739437.